The following is an entry in ClinVar:

NM_004329.3(BMPR1A):c.43T>C (p.Leu15=)

Gene: BMPR1A (bone morphogenetic protein receptor type 1A; plus strand). Cytogenetic location: 10q23.2.
Variant type: single nucleotide variant.
Coding change: c.43T>C on transcript NM_004329.3 (MANE Select); coding-DNA position 43, T replaced by C.
Protein change: p.Leu15=; no amino-acid change (leucine 15 retained).
Molecular consequence: synonymous variant.
Genome position (GRCh38, 1-based): chr10:86,876,061, T>C. VCF-style: chr10-86876061-T-C. GRCh37 (hg19) VCF-style: chr10-88635818-T-C.
Identifiers: ClinVar variation 491002 (VCV000491002.14), dbSNP rs1163803159, ClinGen allele CA470365418.

ClinVar aggregate classification (germline): Benign/Likely benign. Review status: criteria provided, multiple submitters, no conflicts (2 of 4 stars). 4 submissions from 4 submitters: Benign (1); Likely benign (3). Last evaluated 2025-10-25.

Conditions:
Juvenile polyposis syndrome (JPS). Identifiers: Orphanet 2929, MedGen C0345893, MONDO:0017380, OMIM 174900.
Hereditary cancer-predisposing syndrome. Also called: Tumor predisposition; Neoplastic Syndromes, Hereditary; Hereditary Cancer Syndrome; Hereditary neoplastic syndrome. Identifiers: Orphanet 140162, MedGen C0027672, MeSH D009386, MONDO:0015356.

Allele frequency attached by ClinVar (database versions not stated): TOPMed below 0.00001.

Submissions (4):

Ambry Genetics
Classification: Likely benign for Hereditary cancer-predisposing syndrome. Last evaluated: 2025-10-25. Review status: criteria provided, single submitter. Criteria: Ambry Variant Classification Scheme 2023. Collection method: clinical testing. Allele origin: germline.

Labcorp Genetics (formerly Invitae), Labcorp
Classification: Likely benign for Juvenile polyposis syndrome. Last evaluated: 2025-07-06. Review status: criteria provided, single submitter. Criteria: Invitae Variant Classification Sherloc (09022015). Collection method: clinical testing. Allele origin: germline.

Myriad Genetics, Inc.
Classification: Benign for Juvenile polyposis syndrome. Last evaluated: 2024-07-30. Review status: criteria provided, single submitter. Criteria: Myriad Autosomal Dominant, Autosomal Recessive and X-Linked Classification Criteria (2023). Collection method: clinical testing. Allele origin: unknown.
Comment: This variant is considered benign. This variant is a silent/synonymous amino acid change and it is not expected to impact splicing.

Color Diagnostics, LLC DBA Color Health
Classification: Likely benign for Hereditary cancer-predisposing syndrome. Last evaluated: 2017-07-25. Review status: criteria provided, single submitter. Criteria: ACMG Guidelines, 2015. Collection method: clinical testing. Allele origin: germline.